The following is an entry in ClinVar:

ClinVar aggregate classification (germline): Uncertain significance (1 of 4 stars; one submission).

Conditions:
Tietz syndrome (TADS). Also called: HYPOPIGMENTATION/DEAFNESS OF TIETZ; TIETZ ALBINISM-DEAFNESS SYNDROME; ALBINISM-DEAFNESS OF TIETZ. Identifiers: Orphanet 42665, MedGen C0391816, MONDO:0007077, OMIM 103500.
Waardenburg syndrome type 2A (WS2A). Also called: WAARDENBURG SYNDROME WITHOUT DYSTOPIA CANTHORUM. Identifiers: Orphanet 3440, MedGen C1860339, MONDO:0008671, OMIM 193510.
Melanoma, cutaneous malignant, susceptibility to, 8. Also called: MELANOMA AND RENAL CELL CARCINOMA, SUSCEPTIBILITY TO; Cutaneous malignant melanoma 8. Identifiers: Orphanet 293822, MedGen C3152204, MONDO:0013759, OMIM 614456.

Submission:

Labcorp Genetics (formerly Invitae), Labcorp
Classification: Uncertain significance for Melanoma, cutaneous malignant, susceptibility to, 8; Waardenburg syndrome type 2A; Tietz syndrome. Last evaluated: 2024-06-07. Review status: criteria provided, single submitter. Criteria: Invitae Variant Classification Sherloc (09022015). Collection method: clinical testing. Allele origin: germline.
Comment: This sequence change replaces glycine, which is neutral and non-polar, with arginine, which is basic and polar, at codon 152 of the MITF protein (p.Gly152Arg). This variant is not present in population databases (gnomAD no frequency). This variant has not been reported in the literature in individuals affected with MITF-related conditions. Advanced modeling of protein sequence and biophysical properties (such as structural, functional, and spatial information, amino acid conservation, physicochemical variation, residue mobility, and thermodynamic stability) performed at Invitae indicates that this missense variant is not expected to disrupt MITF protein function with a negative predictive value of 80%. In summary, the available evidence is currently insufficient to determine the role of this variant in disease. Therefore, it has been classified as a Variant of Uncertain Significance.

NM_001354604.2(MITF):c.775G>A (p.Gly259Arg)

Gene: MITF (melanocyte inducing transcription factor; plus strand). Cytogenetic location: 3p13.
Variant type: single nucleotide variant.
Coding change: c.775G>A on transcript NM_001354604.2 (MANE Select); coding-DNA position 775, G replaced by A.
Protein change: p.Gly259Arg; replaces glycine 259 with arginine.
Molecular consequence: missense variant.
Genome position (GRCh38, 1-based): chr3:69,949,063, G>A. VCF-style: chr3-69949063-G-A. GRCh37 (hg19) VCF-style: chr3-69998214-G-A.
Other names: c.454G>A, p.Gly152Arg (NM_000248.4, NM_198158.3); c.619G>A, p.Gly207Arg (NM_001184967.2, NM_001354608.2); c.772G>A, p.Gly258Arg (NM_001354605.2, NM_001354606.2, NM_006722.3); c.724G>A, p.Gly242Arg (NM_001354607.2); c.775G>A, p.Gly259Arg (NM_198159.3); c.727G>A, p.Gly243Arg (NM_198177.3); c.286G>A, p.Gly96Arg (NM_198178.3); short protein forms G152R, G207R, G242R, G243R, G258R, G259R, G96R.
Identifiers: ClinVar variation 3756646 (VCV003756646.2).